The following is an entry in ClinVar:

ClinVar aggregate classification (germline): Uncertain significance (1 of 4 stars; one submission).

Conditions:
Cardiovascular phenotype. Identifiers: MedGen CN230736.

Submission:

Ambry Genetics
Classification: Uncertain significance for Cardiovascular phenotype. Last evaluated: 2021-04-14. Review status: criteria provided, single submitter. Criteria: Ambry Variant Classification Scheme 2023. Collection method: clinical testing. Allele origin: germline.
Comment: The p.V69E variant (also known as c.206T>A), located in coding exon 2 of the MYH6 gene, results from a T to A substitution at nucleotide position 206. The valine at codon 69 is replaced by glutamic acid, an amino acid with dissimilar properties. This amino acid position is well conserved in available vertebrate species. In addition, the in silico prediction for this alteration is inconclusive. Since supporting evidence is limited at this time, the clinical significance of this alteration remains unclear.

NM_002471.4(MYH6):c.206T>A (p.Val69Glu)

Genes: MYH6 (myosin heavy chain 6; minus strand), LOC114827851 (VISTA enhancer hs2155; plus strand). Cytogenetic location: 14q11.2.
Variant type: single nucleotide variant.
Coding change: c.206T>A on transcript NM_002471.4 (MANE Select); coding-DNA position 206, T replaced by A.
Protein change: p.Val69Glu; replaces valine 69 with glutamic acid.
Molecular consequence: missense variant.
Genome position (GRCh38, 1-based): chr14:23,405,766, A>T on the plus strand (T>A on the coding strand, the complement: MYH6 is on the minus strand). VCF-style: chr14-23405766-A-T. GRCh37 (hg19) VCF-style: chr14-23874975-A-T.
Other names: short protein forms V69E.
Identifiers: ClinVar variation 1785363 (VCV001785363.2), dbSNP rs2502209394, ClinGen allele CA389031829.